The following is an entry in ClinVar:

NM_000903.3(NQO1):c.788C>G (p.Ser263Cys)

Gene: NQO1 (NAD(P)H quinone dehydrogenase 1; minus strand). Cytogenetic location: 16q22.1.
Variant type: single nucleotide variant.
Coding change: c.788C>G on transcript NM_000903.3 (MANE Select); coding-DNA position 788, C replaced by G.
Protein change: p.Ser263Cys; replaces serine 263 with cysteine.
Molecular consequence: missense variant.
Genome position (GRCh38, 1-based): chr16:69,711,013, G>C on the plus strand (C>G on the coding strand, the complement: NQO1 is on the minus strand). VCF-style: chr16-69711013-G-C. GRCh37 (hg19) VCF-style: chr16-69744916-G-C.
Other names: c.686C>G, p.Ser229Cys (NM_001025433.2); c.674C>G, p.Ser225Cys (NM_001025434.2); c.572C>G, p.Ser191Cys (NM_001286137.2); short protein forms S229C, S225C, S191C, S263C.
Identifiers: ClinVar variation 1761035 (VCV001761035.3), dbSNP rs1394683016, ClinGen allele CA396487342.

ClinVar aggregate classification (germline): Uncertain significance (1 of 4 stars; one submission).

Submission:

Ambry Genetics
Classification: Uncertain significance. Last evaluated: 2024-09-08. Review status: criteria provided, single submitter. Criteria: Ambry Variant Classification Scheme 2023. Collection method: clinical testing. Allele origin: germline.
Comment: The p.S263C variant (also known as c.788C>G), located in coding exon 6 of the NQO1 gene, results from a C to G substitution at nucleotide position 788. The serine at codon 263 is replaced by cysteine, an amino acid with dissimilar properties. This amino acid position is conserved. In addition, this alteration is predicted to be tolerated by in silico analysis. Since supporting evidence is limited at this time, the clinical significance of this alteration remains unclear.